The following is an entry in ClinVar:

ClinVar aggregate classification (germline): Uncertain significance (1 of 4 stars; one submission).

Submission:

Labcorp Genetics (formerly Invitae), Labcorp
Classification: Uncertain significance. Last evaluated: 2025-06-08. Review status: criteria provided, single submitter. Criteria: Invitae Variant Classification Sherloc (09022015). Collection method: clinical testing. Allele origin: germline.
Comment: This sequence change replaces serine, which is neutral and polar, with phenylalanine, which is neutral and non-polar, at codon 288 of the HNF1B protein (p.Ser288Phe). This variant is not present in population databases (gnomAD no frequency). This variant has not been reported in the literature in individuals affected with HNF1B-related conditions. Invitae Evidence Modeling of protein sequence and biophysical properties (such as structural, functional, and spatial information, amino acid conservation, physicochemical variation, residue mobility, and thermodynamic stability) indicates that this missense variant is not expected to disrupt HNF1B protein function with a negative predictive value of 80%. In summary, the available evidence is currently insufficient to determine the role of this variant in disease. Therefore, it has been classified as a Variant of Uncertain Significance.

NM_000458.4(HNF1B):c.863C>T (p.Ser288Phe)

Gene: HNF1B (HNF1 homeobox B; minus strand). Cytogenetic location: 17q12.
Variant type: single nucleotide variant.
Coding change: c.863C>T on transcript NM_000458.4 (MANE Select); coding-DNA position 863, C replaced by T.
Protein change: p.Ser288Phe; replaces serine 288 with phenylalanine.
Molecular consequence: missense variant.
Genome position (GRCh38, 1-based): chr17:37,731,777, G>A on the plus strand (C>T on the coding strand, the complement: HNF1B is on the minus strand). VCF-style: chr17-37731777-G-A. GRCh37 (hg19) VCF-style: chr17-36091768-G-A.
Other names: c.785C>T, p.Ser262Phe (NM_001165923.4, NM_001304286.2); c.863C>T, p.Ser288Phe (NM_001411100.1); short protein forms S288F, S262F.
Identifiers: ClinVar variation 4743742 (VCV004743742.1).